The following is an entry in ClinVar:

ClinVar aggregate classification (germline): Uncertain significance (1 of 4 stars; one submission).

Submission:

Labcorp Genetics (formerly Invitae), Labcorp
Classification: Uncertain significance. Last evaluated: 2024-10-28. Review status: criteria provided, single submitter. Criteria: Invitae Variant Classification Sherloc (09022015). Collection method: clinical testing. Allele origin: germline.
Comment: This sequence change replaces proline, which is neutral and non-polar, with serine, which is neutral and polar, at codon 423 of the RAI1 protein (p.Pro423Ser). This variant is not present in population databases (gnomAD no frequency). This variant has not been reported in the literature in individuals affected with RAI1-related conditions. Invitae Evidence Modeling of protein sequence and biophysical properties (such as structural, functional, and spatial information, amino acid conservation, physicochemical variation, residue mobility, and thermodynamic stability) indicates that this missense variant is not expected to disrupt RAI1 protein function with a negative predictive value of 80%. In summary, the available evidence is currently insufficient to determine the role of this variant in disease. Therefore, it has been classified as a Variant of Uncertain Significance.

NM_030665.4(RAI1):c.1267C>T (p.Pro423Ser)

Gene: RAI1 (retinoic acid induced 1; plus strand). Cytogenetic location: 17p11.2.
Variant type: single nucleotide variant.
Coding change: c.1267C>T on transcript NM_030665.4 (MANE Select); coding-DNA position 1267, C replaced by T.
Protein change: p.Pro423Ser; replaces proline 423 with serine.
Molecular consequence: missense variant.
Genome position (GRCh38, 1-based): chr17:17,794,215, C>T. VCF-style: chr17-17794215-C-T. GRCh37 (hg19) VCF-style: chr17-17697529-C-T.
Other names: short protein forms P423S.
Identifiers: ClinVar variation 3678517 (VCV003678517.2).